The following is an entry in ClinVar:

ClinVar aggregate classification (germline): Uncertain significance (1 of 4 stars; one submission).

gnomAD v4.1: 6 of 1,613,818 alleles (0.00037%); highest among the groups gnomAD compares: Non-Finnish European, 0.00042%; no homozygotes.

Submission:

Ambry Genetics
Classification: Uncertain significance. Last evaluated: 2025-08-12. Review status: criteria provided, single submitter. Criteria: Ambry Variant Classification Scheme 2023. Collection method: clinical testing. Allele origin: germline.
Comment: The c.1234A>G (p.S412G) alteration is located in exon (coding exon ) of the SH3RF3 gene. This alteration results from a A to G substitution at nucleotide position 1234, causing the serine (S) at amino acid position 412 to be replaced by a glycine (G). Based on insufficient or conflicting evidence, the clinical significance of this alteration remains unclear.

NM_001099289.3(SH3RF3):c.1234A>G (p.Ser412Gly)

Genes: RANBP2 (RAN binding protein 2; plus strand), SH3RF3 (SH3 domain containing ring finger 3; plus strand). Cytogenetic location: 2q13.
Variant type: single nucleotide variant.
Coding change: c.1234A>G on transcript NM_001099289.3 (MANE Select); coding-DNA position 1234, A replaced by G.
Protein change: p.Ser412Gly; replaces serine 412 with glycine.
Molecular consequence: missense variant.
Genome position (GRCh38, 1-based): chr2:109,398,878, A>G. VCF-style: chr2-109398878-A-G. GRCh37 (hg19) VCF-style: chr2-110015334-A-G.
Other names: short protein forms S412G.
Identifiers: ClinVar variation 4164361 (VCV004164361.1).